The following is an entry in ClinVar:

NM_000038.6(APC):c.5051T>A (p.Phe1684Tyr)

Gene: APC (APC regulator of Wnt signaling pathway; plus strand). Cytogenetic location: 5q22.2.
Variant type: single nucleotide variant.
Coding change: c.5051T>A on transcript NM_000038.6 (MANE Select); coding-DNA position 5051, T replaced by A.
Protein change: p.Phe1684Tyr; replaces phenylalanine 1684 with tyrosine.
Molecular consequence: missense variant.
Genome position (GRCh38, 1-based): chr5:112,840,645, T>A. VCF-style: chr5-112840645-T-A. GRCh37 (hg19) VCF-style: chr5-112176342-T-A.
Other names: c.5051T>A, p.Phe1684Tyr (NM_001127510.3, NM_001354895.2, NM_001407450.1); c.4997T>A, p.Phe1666Tyr (NM_001127511.3); c.5105T>A, p.Phe1702Tyr (NM_001354896.2, NM_001407447.1, NM_001407448.1 and 1 more transcripts); c.5081T>A, p.Phe1694Tyr (NM_001354897.2); c.4976T>A, p.Phe1659Tyr (NM_001354898.2); c.4967T>A, p.Phe1656Tyr (NM_001354899.2); c.4928T>A, p.Phe1643Tyr (NM_001354900.2); c.4874T>A, p.Phe1625Tyr (NM_001354901.2, NM_001407453.1); and 11 more; short protein forms F1524Y, F1583Y, F1593Y, F1666Y, F1712Y, F1555Y, F1601Y, F1656Y.
Identifiers: ClinVar variation 1951693 (VCV001951693.5), dbSNP rs1765835321, ClinGen allele CA16032376.

ClinVar aggregate classification (germline): Uncertain significance (1 of 4 stars; one submission).

Conditions:
Familial adenomatous polyposis 1 (FAP1). Also called: FAMILIAL ADENOMATOUS POLYPOSIS 1, ATTENUATED; POLYPOSIS, ADENOMATOUS INTESTINAL. Identifiers: MedGen C2713442, MONDO:0021056, OMIM 175100. Disease mechanism: loss of function.

Submission:

Labcorp Genetics (formerly Invitae), Labcorp
Classification: Uncertain significance for Familial adenomatous polyposis 1. Last evaluated: 2022-06-07. Review status: criteria provided, single submitter. Criteria: Invitae Variant Classification Sherloc (09022015). Collection method: clinical testing. Allele origin: germline.
Comment: This sequence change replaces phenylalanine, which is neutral and non-polar, with tyrosine, which is neutral and polar, at codon 1684 of the APC protein (p.Phe1684Tyr). This variant is not present in population databases (gnomAD no frequency). This variant has not been reported in the literature in individuals affected with APC-related conditions. Algorithms developed to predict the effect of missense changes on protein structure and function (SIFT, PolyPhen-2, Align-GVGD) all suggest that this variant is likely to be tolerated. In summary, the available evidence is currently insufficient to determine the role of this variant in disease. Therefore, it has been classified as a Variant of Uncertain Significance.